The following is an entry in ClinVar:

ClinVar aggregate classification (germline): Uncertain significance. Review status: criteria provided, multiple submitters, no conflicts (2 of 4 stars). 5 submissions from 5 submitters: Uncertain significance (5). Last evaluated 2026-07-01.

Conditions:
Glycogen storage disease, type II (IOPD). Also called: ACID ALPHA-GLUCOSIDASE DEFICIENCY, INFANTILE-ONSET; GAA DEFICIENCY, INFANTILE-ONSET; ACID MALTASE DEFICIENCY, INFANTILE-ONSET; Glycogen storage disease type 2; Acid maltase deficiency disease; Aglucosidase alfa. Identifiers: Orphanet 365, MedGen C0017921, MONDO:0009290, OMIM 232300.

Allele frequency attached by ClinVar (database versions not stated): ExAC 0.00001; gnomAD 0.00001; gnomAD exomes below 0.00001; TOPMed 0.00001.
gnomAD v4.1: 6 of 1,612,710 alleles (0.00037%); highest among the groups gnomAD compares: Admixed American, 0.0033%; no homozygotes.

Submissions (5):

Genomenon, Inc
Classification: Uncertain significance for Glycogen storage disease, type II. Last evaluated: 2026-07-01. Review status: criteria provided, single submitter. Criteria: Genomenon Sequence Variant Interpretation Standards - Updated. Collection method: curation. Allele origin: germline. Affected: no.
Comment: GAA p.Met391Val (c.1171A>G) is a missense variant that changes the amino acid at codon 391 from Methionine to Valine. This variant has been reported in the published literature (PMID:22644586;25681614;30281819;31228295). It is absent or not present at a significant frequency in gnomAD. In silico models predict that this variant is possibly or probably damaging. In conclusion, we classify GAA p.Met391Val (c.1171A>G) as a variant of uncertain significance.

Labcorp Genetics (formerly Invitae), Labcorp
Classification: Uncertain significance for Glycogen storage disease, type II. Last evaluated: 2025-10-13. Review status: criteria provided, single submitter. Criteria: Invitae Variant Classification Sherloc (09022015). Collection method: clinical testing. Allele origin: germline.
Comment: This sequence change replaces methionine, which is neutral and non-polar, with valine, which is neutral and non-polar, at codon 391 of the GAA protein (p.Met391Val). This variant is present in population databases (rs778634337, gnomAD 0.003%). This variant has not been reported in the literature in individuals affected with GAA-related conditions. ClinVar contains an entry for this variant (Variation ID: 1389866). Invitae Evidence Modeling of protein sequence and biophysical properties (such as structural, functional, and spatial information, amino acid conservation, physicochemical variation, residue mobility, and thermodynamic stability) indicates that this missense variant is expected to disrupt GAA protein function with a positive predictive value of 95%. In summary, the available evidence is currently insufficient to determine the role of this variant in disease. Therefore, it has been classified as a Variant of Uncertain Significance.

Dasa
Classification: Uncertain significance. Last evaluated: 2025-06-03. Review status: criteria provided, single submitter. Criteria: DASA Assertion Criteria. Collection method: clinical testing. Allele origin: germline.
Comment: NM_000152.5(GAA):c.1171A>G (p.Met391Val) is a missense variant that results in the substitution of methionine with valine. This variant is rare in population databases. Computational prediction algorithms are consistent with a deleterious effect. The currently available literature and clinical evidence are not sufficient to establish a definitive association between this variant and the reported condition. Therefore, this variant is classified as a variant of uncertain significance.

3billion
Classification: Uncertain significance for Glycogen storage disease, type II. Last evaluated: 2024-07-05. Review status: criteria provided, single submitter. Criteria: ACMG Guidelines, 2015. Collection method: clinical testing. Allele origin: germline. Affected: yes.
Comment: The variant is observed at an extremely low frequency in the gnomAD v4.0.0 dataset (total allele frequency: <0.001%). Predicted Consequence/Location: Missense variant In silico tool predictions suggest damaging effect of the variant on gene or gene product [REVEL: 0.78 (>=0.6, sensitivity 0.68 and specificity 0.92); 3Cnet: 0.85 (>=0.6, sensitivity 0.72 and precision 0.9)]. The variant has been reported as of uncertain significance (ClinVar ID: VCV001389866). Therefore, this variant is classified as VUS according to the recommendation of ACMG/AMP guideline.

Revvity Omics, Revvity
Classification: Uncertain significance. Last evaluated: 2022-01-11. Review status: criteria provided, single submitter. Criteria: ACMG Guidelines, 2015. Collection method: clinical testing. Allele origin: germline.

Literature cited by the submitters: PubMed 22644586 (cited by Genomenon, Inc); PubMed 25681614 (cited by Genomenon, Inc); PubMed 30281819 (cited by Genomenon, Inc); PubMed 31228295 (cited by Genomenon, Inc).

NM_000152.5(GAA):c.1171A>G (p.Met391Val)

Gene: GAA (alpha glucosidase; plus strand). Cytogenetic location: 17q25.3.
Variant type: single nucleotide variant.
Coding change: c.1171A>G on transcript NM_000152.5 (MANE Select); coding-DNA position 1171, A replaced by G.
Protein change: p.Met391Val; replaces methionine 391 with valine.
Molecular consequence: missense variant.
Genome position (GRCh38, 1-based): chr17:80,108,584, A>G. VCF-style: chr17-80108584-A-G. GRCh37 (hg19) VCF-style: chr17-78082383-A-G.
Other names: c.1171A>G, p.Met391Val (NM_001079803.3, NM_001079804.3); short protein forms M391V.
Identifiers: ClinVar variation 1389866 (VCV001389866.11), dbSNP rs778634337, ClinGen allele CA8815190.